The following is an entry in ClinVar:

ClinVar aggregate classification (germline): Pathogenic (1 of 4 stars; one submission).

Conditions:
Cortical dysplasia-focal epilepsy syndrome (PTHSL1). Also called: Pitt-Hopkins-like syndrome 1. Identifiers: Orphanet 163681, Orphanet 221150, MedGen C2750246, MONDO:0012400, OMIM 610042.

Submission:

Labcorp Genetics (formerly Invitae), Labcorp
Classification: Pathogenic for Cortical dysplasia-focal epilepsy syndrome. Last evaluated: 2020-09-11. Review status: criteria provided, single submitter. Criteria: Invitae Variant Classification Sherloc (09022015). Collection method: clinical testing. Allele origin: germline.
Comment: This variant is an out-of-frame deletion of the genomic region encompassing exons 2-3 of the CNTNAP2 gene. This is expected to create a premature translational stop signal and result in an absent or disrupted protein product. A similar copy number variant has been observed in individual(s) with Pitt-Hopkins-like syndrome or other related clinical features (PMID: 26843181, 27439707, 21827697, 22031302, 27066544). Loss-of-function variants in CNTNAP2 are known to be pathogenic (PMID: 19896112, 21827697, 25045150, 26843181, 27439707). For these reasons, this variant has been classified as Pathogenic.

Literature cited by the submitters: PubMed 26843181; PubMed 27439707; PubMed 21827697; PubMed 22031302; PubMed 27066544; PubMed 19896112; PubMed 25045150.

NC_000007.13:g.(?_146471353)_(146537006_?)del

Gene: CNTNAP2 (contactin associated protein 2; plus strand). Cytogenetic location: 7q35.
Variant type: Deletion.
Identifiers: ClinVar variation 1075740 (VCV001075740.1).